The following is an entry in ClinVar:

ClinVar aggregate classification (germline): Uncertain significance (1 of 4 stars; one submission).

gnomAD v4.1: 3 of 1,206,094 alleles (0.00025%); highest among the groups gnomAD compares: Non-Finnish European, 0.00034%; no homozygotes.

Submission:

Labcorp Genetics (formerly Invitae), Labcorp
Classification: Uncertain significance. Last evaluated: 2023-04-06. Review status: criteria provided, single submitter. Criteria: Invitae Variant Classification Sherloc (09022015). Collection method: clinical testing. Allele origin: germline.
Comment: This sequence change affects codon 128 of the PIH1D3 mRNA. It is a 'silent' change, meaning that it does not change the encoded amino acid sequence of the PIH1D3 protein. This variant is present in population databases (rs763547239, gnomAD 0.003%). This variant has not been reported in the literature in individuals affected with PIH1D3-related conditions. Algorithms developed to predict the effect of sequence changes on RNA splicing suggest that this variant may create or strengthen a splice site. In summary, the available evidence is currently insufficient to determine the role of this variant in disease. Therefore, it has been classified as a Variant of Uncertain Significance.

NM_173494.2(DNAAF6):c.384G>A (p.Gly128=)

Gene: DNAAF6 (dynein axonemal assembly factor 6; plus strand). Cytogenetic location: Xq22.3.
Variant type: single nucleotide variant.
Coding change: c.384G>A on transcript NM_173494.2 (MANE Select); coding-DNA position 384, G replaced by A.
Protein change: p.Gly128=; no amino-acid change (glycine 128 retained).
Molecular consequence: synonymous variant.
Genome position (GRCh38, 1-based): chrX:107,222,796, G>A. VCF-style: chrX-107222796-G-A. GRCh37 (hg19) VCF-style: chrX-106466026-G-A.
Other names: c.384G>A, p.Gly128= (NM_001169154.2).
Identifiers: ClinVar variation 2997680 (VCV002997680.3), dbSNP rs763547239, ClinGen allele CA10484668.
Genomic context (GRCh38, chrX:107,222,796, plus strand): 5'-TTTTTTCAGGTATGAGATTATATTCAGACAGCAGGTGGGAACTGAAGATATATTTTTAGG[G>A]TTGTCAAAAAAGGACTCCTCAACAGGTTGTTGCAGTGAACTAGTGGTAAGCCTCTCCTCC-3'
Protein context (NP_775765.1, residues 118-138): QQVGTEDIFL[Gly128=]LSKKDSSTGC